The following is an entry in ClinVar:

NM_006208.3(ENPP1):c.313+8_313+9insTTGT

Gene: ENPP1 (ectonucleotide pyrophosphatase/phosphodiesterase 1; plus strand). Cytogenetic location: 6q23.2.
Variant type: Insertion.
Coding change: c.313+8_313+9insTTGT on transcript NM_006208.3 (MANE Select); bases 8 to 9 of the intron after coding-DNA position 313, TTGT inserted.
Molecular consequence: intron variant.
Genome position: GRCh38 VCF-style: chr6-131847856-G-GTTGT. GRCh37 (hg19) VCF-style: chr6-132168996-G-GTTGT.
Other names: p.?; c.313+8_313+9insTTGT (NM_006208.2).
Identifiers: ClinVar variation 1091037 (VCV001091037.13), dbSNP rs879243445, ClinGen allele CA452154210.

ClinVar aggregate classification (germline): Likely benign. Review status: criteria provided, multiple submitters, no conflicts (2 of 4 stars). 4 submissions from 4 submitters: Likely benign (3). 1 of the submissions does not count toward it. Last evaluated 2025-10-02.

Conditions:
ENPP1-related disorder. Also called: ENPP1-related disorders; ENPP1-related condition.

Submissions (4):

Mayo Clinic Laboratories, Mayo Clinic
Classification: Likely benign. Last evaluated: 2025-10-02. Review status: criteria provided, single submitter. Criteria: ACMG Guidelines, 2015. Collection method: clinical testing. Allele origin: germline. Observed: 3 variant alleles.
Comment: BP7

Blueprint Genetics
Classification: Likely benign. Last evaluated: 2024-11-11. Review status: criteria provided, single submitter. Criteria: ACMG Guidelines, 2015. Collection method: clinical testing. Allele origin: germline.

Labcorp Genetics (formerly Invitae), Labcorp
Classification: Likely benign. Last evaluated: 2024-02-14. Review status: criteria provided, single submitter. Criteria: Invitae Variant Classification Sherloc (09022015). Collection method: clinical testing. Allele origin: germline.

PreventionGenetics, part of Exact Sciences
Classification: Likely benign for ENPP1-related condition. Last evaluated: 2020-04-24. Review status: no assertion criteria provided. Collection method: clinical testing. Allele origin: germline. Not counted in ClinVar's aggregate classification.
Comment: This variant is classified as likely benign based on ACMG/AMP sequence variant interpretation guidelines (Richards et al. 2015 PMID: 25741868, with internal and published modifications).